The following is an entry in ClinVar:

NM_001267550.2(TTN):c.46164del (p.Ala15389fs)

Gene: TTN (titin; minus strand). Cytogenetic location: 2q31.2.
Variant type: Deletion.
Coding change: c.46164del on transcript NM_001267550.2 (MANE Select); coding-DNA position 46164, one base deleted (A; older notation c.46164delA).
Protein change: p.Ala15389fs; shifts the reading frame from alanine 15389.
Molecular consequence: frameshift variant.
Genome position (GRCh38, 1-based): chr2:178,620,357, T deleted on the plus strand (A on the coding strand, the reverse complement: TTN is on the minus strand); the first of 2 consecutive T bases (chr2:178,620,357-178,620,358); deleting either gives the same sequence. VCF-style (leftmost placement, unchanged base first): chr2-178620356-CT-C. GRCh37 (hg19) VCF-style: chr2-179485083-CT-C.
Other names: c.41241del, p.Ala13748fs (NM_001256850.1); c.18969del, p.Ala6324fs (NM_003319.4); c.38460del, p.Ala12821fs (NM_133378.4); c.19344del, p.Ala6449fs (NM_133432.3); c.19545del, p.Ala6516fs (NM_133437.4); short protein forms A6324fs, A6449fs, A6516fs, A15389fs, A12821fs, A13748fs.
Identifiers: ClinVar variation 2022527 (VCV002022527.4), dbSNP rs2470999537, ClinGen allele CA2580065013.
Genomic context (GRCh38, chr2:178,620,356, plus strand): 5'-CAGCGTCATCGAACTCAGTGACTGTCTGATCTTCCAAGTGTTCCACAAATTCTGTCGGGG[CT>C]TCTATGATGAGAAGCTCAGCAACAGATTTATCTTGTCCAGCAGTGACAATGTATTCACCT-3'

ClinVar aggregate classification (germline): Likely pathogenic (1 of 4 stars; one submission).

Conditions:
Autosomal recessive limb-girdle muscular dystrophy type 2J (LGMDR10). Also called: Limb-girdle muscular dystrophy, type 2J; MUSCULAR DYSTROPHY, LIMB-GIRDLE, AUTOSOMAL RECESSIVE 10. Identifiers: Orphanet 140922, MedGen C1837342, MONDO:0012127, OMIM 608807.
Dilated cardiomyopathy 1G (CMD1G). Identifiers: Orphanet 154, MedGen C1858763, MONDO:0011400, OMIM 604145.

Submission:

Labcorp Genetics (formerly Invitae), Labcorp
Classification: Likely pathogenic for Dilated cardiomyopathy 1G; Autosomal recessive limb-girdle muscular dystrophy type 2J. Last evaluated: 2025-10-09. Review status: criteria provided, single submitter. Criteria: Invitae Variant Classification Sherloc (09022015). Collection method: clinical testing. Allele origin: germline.
Comment: This sequence change creates a premature translational stop signal (p.Ala15389Profs*33) in the TTN gene. While this is not anticipated to result in nonsense mediated decay, it is expected to create a truncated TTN protein. This variant is not present in population databases (gnomAD no frequency). This variant has not been reported in the literature in individuals affected with TTN-related conditions. ClinVar contains an entry for this variant (Variation ID: 2022527). This variant is located in the I band of TTN (PMID: 25589632). Truncating variants in this region have been reported in individuals affected with autosomal recessive centronuclear myopathy (PMID: 23975875, internal data). Truncating variants in this region have also been identified in individuals affected with autosomal dominant dilated cardiomyopathy and/or cardio-related conditions (PMID: 27869827, 32964742, internal data). In summary, the currently available evidence indicates that the variant is pathogenic, but additional data are needed to prove that conclusively. Therefore, this variant has been classified as Likely Pathogenic.

Literature cited by the submitters: PubMed 25589632; PubMed 23975875; PubMed 27869827; PubMed 32964742.